The following is an entry in ClinVar:

NM_001447.3(FAT2):c.3290G>A (p.Arg1097Gln)

Gene: FAT2 (FAT atypical cadherin 2; minus strand). Cytogenetic location: 5q33.1.
Variant type: single nucleotide variant.
Coding change: c.3290G>A on transcript NM_001447.3 (MANE Select); coding-DNA position 3290, G replaced by A.
Protein change: p.Arg1097Gln; replaces arginine 1097 with glutamine.
Molecular consequence: missense variant.
Genome position (GRCh38, 1-based): chr5:151,563,609, C>T on the plus strand (G>A on the coding strand, the complement: FAT2 is on the minus strand). VCF-style: chr5-151563609-C-T. GRCh37 (hg19) VCF-style: chr5-150943170-C-T.
Other names: c.3290G>A (NM_001447.2); short protein forms R1097Q.
Identifiers: ClinVar variation 2057031 (VCV002057031.5), dbSNP rs746940049, ClinGen allele CA3521866.

ClinVar aggregate classification (germline): Uncertain significance. Review status: criteria provided, multiple submitters, no conflicts (2 of 4 stars). 2 submissions from 2 submitters: Uncertain significance (2). Last evaluated 2025-03-18.

Allele frequency attached by ClinVar (database versions not stated): ExAC 0.00004.
gnomAD v4.1: 23 of 1,614,012 alleles (0.0014%); highest among the groups gnomAD compares: Admixed American, 0.01%; no homozygotes.

Submissions (2):

Labcorp Genetics (formerly Invitae), Labcorp
Classification: Uncertain significance. Last evaluated: 2025-03-18. Review status: criteria provided, single submitter. Criteria: Invitae Variant Classification Sherloc (09022015). Collection method: clinical testing. Allele origin: germline.
Comment: This sequence change replaces arginine, which is basic and polar, with glutamine, which is neutral and polar, at codon 1097 of the FAT2 protein (p.Arg1097Gln). This variant is present in population databases (rs746940049, gnomAD 0.01%). This variant has not been reported in the literature in individuals affected with FAT2-related conditions. ClinVar contains an entry for this variant (Variation ID: 2057031). An algorithm developed to predict the effect of missense changes on protein structure and function (PolyPhen-2) suggests that this variant is likely to be disruptive. In summary, the available evidence is currently insufficient to determine the role of this variant in disease. Therefore, it has been classified as a Variant of Uncertain Significance.

Ambry Genetics
Classification: Uncertain significance. Last evaluated: 2023-11-04. Review status: criteria provided, single submitter. Criteria: Ambry Variant Classification Scheme 2023. Collection method: clinical testing. Allele origin: germline.